The following is an entry in ClinVar:

NM_001356.5(DDX3X):c.80A>C (p.Gln27Pro)

Gene: DDX3X (DEAD-box helicase 3 X-linked; plus strand). Cytogenetic location: Xp11.4.
Variant type: single nucleotide variant.
Coding change: c.80A>C on transcript NM_001356.5 (MANE Select); coding-DNA position 80, A replaced by C.
Protein change: p.Gln27Pro; replaces glutamine 27 with proline.
Molecular consequence: missense variant. On other transcripts: 5 prime UTR variant (1), non-coding transcript variant (2).
Genome position (GRCh38, 1-based): chrX:41,337,442, A>C. VCF-style: chrX-41337442-A-C. GRCh37 (hg19) VCF-style: chrX-41196695-A-C.
Other names: c.80A>C, p.Gln27Pro (NM_001193416.3, NM_001193417.3); c.-1824A>C (NM_001363819.1); short protein forms Q27P.
Identifiers: ClinVar variation 1305113 (VCV001305113.3), dbSNP rs2147340525, ClinGen allele CA412762495.

ClinVar aggregate classification (germline): Uncertain significance (1 of 4 stars; one submission).

Submission:

GeneDx
Classification: Uncertain significance. Last evaluated: 2022-05-16. Review status: criteria provided, single submitter. Criteria: GeneDx Variant Classification Process June 2021. Collection method: clinical testing. Allele origin: germline. Affected: yes.
Comment: Not observed at significant frequency in large population cohorts (gnomAD); In silico analysis supports that this missense variant does not alter protein structure/function; Has not been previously published as pathogenic or benign to our knowledge